The following is an entry in ClinVar:

ClinVar aggregate classification (germline): Uncertain significance (1 of 4 stars; one submission).

Conditions:
Hereditary diffuse gastric adenocarcinoma (HDGC). Also called: DIFFUSE GASTRIC AND LOBULAR BREAST CANCER SYNDROME. Identifiers: Orphanet 26106, MedGen C1708349, MONDO:0007648, OMIM 137215.

Submission:

Labcorp Genetics (formerly Invitae), Labcorp
Classification: Uncertain significance for Hereditary diffuse gastric adenocarcinoma. Last evaluated: 2024-05-22. Review status: criteria provided, single submitter. Criteria: Invitae Variant Classification Sherloc (09022015). Collection method: clinical testing. Allele origin: germline.
Comment: This sequence change replaces serine, which is neutral and polar, with arginine, which is basic and polar, at codon 838 of the CDH1 protein (p.Ser838Arg). This variant is not present in population databases (gnomAD no frequency). This variant has not been reported in the literature in individuals affected with CDH1-related conditions. ClinVar contains an entry for this variant (Variation ID: 1503604). An algorithm developed to predict the effect of missense changes on protein structure and function (PolyPhen-2) suggests that this variant is likely to be disruptive. In summary, the available evidence is currently insufficient to determine the role of this variant in disease. Therefore, it has been classified as a Variant of Uncertain Significance.

NM_004360.5(CDH1):c.2514C>A (p.Ser838Arg)

Gene: CDH1 (cadherin 1; plus strand). Cytogenetic location: 16q22.1.
Variant type: single nucleotide variant.
Coding change: c.2514C>A on transcript NM_004360.5 (MANE Select); coding-DNA position 2514, C replaced by A.
Protein change: p.Ser838Arg; replaces serine 838 with arginine.
Molecular consequence: missense variant.
Genome position (GRCh38, 1-based): chr16:68,833,364, C>A. VCF-style: chr16-68833364-C-A. GRCh37 (hg19) VCF-style: chr16-68867267-C-A.
Other names: c.2331C>A, p.Ser777Arg (NM_001317184.2); c.966C>A, p.Ser322Arg (NM_001317185.2); c.549C>A, p.Ser183Arg (NM_001317186.2); short protein forms S777R, S183R, S322R, S838R.
Identifiers: ClinVar variation 1503604 (VCV001503604.6), dbSNP rs770974998, ClinGen allele CA396472258.